The following is an entry in ClinVar:

NM_000384.3(APOB):c.13026A>G (p.Pro4342=)

Gene: APOB (apolipoprotein B; minus strand). Cytogenetic location: 2p24.1.
Variant type: single nucleotide variant.
Coding change: c.13026A>G on transcript NM_000384.3 (MANE Select); coding-DNA position 13026, A replaced by G.
Protein change: p.Pro4342=; no amino-acid change (proline 4342 retained).
Molecular consequence: synonymous variant.
Genome position (GRCh38, 1-based): chr2:21,002,396, T>C on the plus strand (A>G on the coding strand, the complement: APOB is on the minus strand). VCF-style: chr2-21002396-T-C. GRCh37 (hg19) VCF-style: chr2-21225268-T-C.
Identifiers: ClinVar variation 920528 (VCV000920528.7), dbSNP rs188585568, ClinGen allele CA051735.

ClinVar aggregate classification (germline): Benign/Likely benign. Review status: criteria provided, multiple submitters, no conflicts (2 of 4 stars). 3 submissions from 3 submitters: Benign (1); Likely benign (2). Last evaluated 2024-08-16.

Conditions:
Cardiovascular phenotype. Identifiers: MedGen CN230736.
Familial hypobetalipoproteinemia 1. Also called: Hypobetalipoproteinemia, normotriglyceridemic; Acanthocytosis with hypobetalipoproteinemia; APOB-Related Familial Hypobetalipoproteinemia. Identifiers: MedGen C4551990, MONDO:0014252, OMIM 615558.
Hypercholesterolemia, autosomal dominant, type B (FHCL2). Also called: Familial Hypercholesterolemia Type B; HYPERCHOLESTEROLEMIA, FAMILIAL, DUE TO LIGAND-DEFECTIVE APOLIPOPROTEIN B; Familial hypercholesterolemia 2; APOB-Related Familial Hypercholesterolemia, Autosomal Dominant; APOLIPOPROTEIN B-100, FAMILIAL DEFECTIVE; APOLIPOPROTEIN B-100, FAMILIAL LIGAND-DEFECTIVE. Identifiers: MedGen C1704417, MONDO:0007751, OMIM 144010.
Familial hypercholesterolemia. Also called: Familial hypercholesterolemias; Familial hypercholesterolaemia. Identifiers: MedGen C0020445, MONDO:0005439.

Allele frequency attached by ClinVar (database versions not stated): gnomAD 0.00001; gnomAD exomes 0.00001 and 0.00004; TOPMed 0.00001; ExAC 0.00002; 1000 Genomes Project 0.00040; 1000 Genomes Project 30x 0.00047.
gnomAD v4.1: 60 of 1,601,320 alleles (0.0037%); highest among the groups gnomAD compares: Non-Finnish European, 0.0049%; no homozygotes.

Submissions (3):

Labcorp Genetics (formerly Invitae), Labcorp
Classification: Benign for Familial hypobetalipoproteinemia 1; Hypercholesterolemia, autosomal dominant, type B. Last evaluated: 2024-08-16. Review status: criteria provided, single submitter. Criteria: Invitae Variant Classification Sherloc (09022015). Collection method: clinical testing. Allele origin: germline.

GENinCode PLC
Classification: Likely benign for Familial hypercholesterolemia. Last evaluated: 2023-11-02. Review status: criteria provided, single submitter. Criteria: ACMG Guidelines, 2015. Collection method: clinical testing. Allele origin: germline.
Comment: This is a synonymous (silent) variant that is not predicted by SpliceAI to impact splicing. In addition, it occurs at a nucleotide that is not conserved. Therefore this variant has been classified as Likely Benign (BP4, BP7).

Ambry Genetics
Classification: Likely benign for Cardiovascular phenotype. Last evaluated: 2020-08-31. Review status: criteria provided, single submitter. Criteria: Ambry Variant Classification Scheme 2023. Collection method: clinical testing. Allele origin: germline.